The following is an entry in ClinVar:

ClinVar aggregate classification (germline): Pathogenic. Review status: criteria provided, multiple submitters, no conflicts (2 of 4 stars). 2 submissions from 2 submitters: Pathogenic (2). Last evaluated 2025-03-11.

Submissions (2):

GeneDx
Classification: Pathogenic. Last evaluated: 2025-03-11. Review status: criteria provided, single submitter. Criteria: GeneDx Variant Classification Process June 2021. Collection method: clinical testing. Allele origin: germline. Affected: yes.
Comment: Nonsense variant predicted to result in protein truncation or nonsense mediated decay in a gene for which loss of function is a known mechanism of disease; Not observed at significant frequency in large population cohorts (gnomAD); This variant is associated with the following publications: (PMID: 33438842)

Eurofins Ntd Llc (ga)
Classification: Pathogenic. Last evaluated: 2016-09-22. Review status: criteria provided, single submitter. Criteria: EGL Classification Definitions 2015. Collection method: clinical testing. Allele origin: germline. Observed: 2 variant alleles, 2 heterozygotes.

NM_002968.3(SALL1):c.727C>T (p.Gln243Ter)

Gene: SALL1 (spalt like transcription factor 1; minus strand). Cytogenetic location: 16q12.1.
Variant type: single nucleotide variant.
Coding change: c.727C>T on transcript NM_002968.3 (MANE Select); coding-DNA position 727, C replaced by T.
Protein change: p.Gln243Ter; replaces glutamine 243 with a stop codon.
Molecular consequence: nonsense.
Genome position (GRCh38, 1-based): chr16:51,141,495, G>A on the plus strand (C>T on the coding strand, the complement: SALL1 is on the minus strand). VCF-style: chr16-51141495-G-A. GRCh37 (hg19) VCF-style: chr16-51175406-G-A.
Other names: c.727C>T (NM_002968.2); c.436C>T, p.Gln146Ter (NM_001127892.2); short protein forms Q243*, Q146*.
Identifiers: ClinVar variation 291272 (VCV000291272.6), dbSNP rs886044708, ClinGen allele CA10607088.